The following is an entry in ClinVar:

NM_000507.4(FBP1):c.962C>T (p.Ser321Phe)

Gene: FBP1 (fructose-bisphosphatase 1; minus strand). Cytogenetic location: 9q22.32.
Variant type: single nucleotide variant.
Coding change: c.962C>T on transcript NM_000507.4 (MANE Select); coding-DNA position 962, C replaced by T.
Protein change: p.Ser321Phe; replaces serine 321 with phenylalanine.
Molecular consequence: missense variant.
Genome position (GRCh38, 1-based): chr9:94,603,436, G>A on the plus strand (C>T on the coding strand, the complement: FBP1 is on the minus strand). VCF-style: chr9-94603436-G-A. GRCh37 (hg19) VCF-style: chr9-97365718-G-A.
Other names: c.962C>T, p.Ser321Phe (NM_001127628.2); short protein forms S321F.
Identifiers: ClinVar variation 3339475 (VCV003339475.1).

ClinVar aggregate classification (germline): Uncertain significance (1 of 4 stars; one submission).

gnomAD v4.1: 11 of 1,614,030 alleles (0.00068%); highest among the groups gnomAD compares: Middle Eastern, 0.017%; no homozygotes.

Submission:

Women's Health and Genetics/Laboratory Corporation of America, LabCorp
Classification: Uncertain significance. Last evaluated: 2024-07-17. Review status: criteria provided, single submitter. Criteria: LabCorp Variant Classification Summary - May 2015. Collection method: clinical testing. Allele origin: germline.
Comment: Variant summary: FBP1 c.962C>T (p.Ser321Phe) results in a non-conservative amino acid change located in the Fructose-1-6-bisphosphatase class 1, C-terminal (IPR044015) of the encoded protein sequence. Five of five in-silico tools predict a damaging effect of the variant on protein function. The variant allele was found at a frequency of 8e-06 in 251230 control chromosomes (gnomAD). The available data on variant occurrences in the general population are insufficient to allow any conclusion about variant significance. c.962C>T has been reported in the literature in an individual affected with Fructose-biphosphatase deficiency (Liang_2023). These data do not allow any conclusion about variant significance. This publication also reports experimental evidence evaluating an impact on protein function, finding that the variant results in a modest reduction in enzymatic activity. The following publication has been ascertained in the context of this evaluation (PMID: 37142076). No submitters have cited clinical-significance assessments for this variant to ClinVar. Based on the evidence outlined above, the variant was classified as uncertain significance.

Literature cited by the submitters: PubMed 37142076.